The following is an entry in ClinVar:

ClinVar aggregate classification (germline): Uncertain significance (1 of 4 stars; one submission).

Submission:

Women's Health and Genetics/Laboratory Corporation of America, LabCorp
Classification: Uncertain significance. Last evaluated: 2025-05-19. Review status: criteria provided, single submitter. Criteria: LabCorp Variant Classification Summary - May 2015. Collection method: clinical testing. Allele origin: germline.
Comment: Variant summary: TTN c.18661C>G (p.Leu6221Val) results in a conservative amino acid change in the encoded protein sequence. Algorithms developed to predict the effect of missense changes on protein structure and function are either unavailable or do not agree on the potential impact of this missense change. The variant was absent in 247910 control chromosomes. The available data on variant occurrences in the general population are insufficient to allow any conclusion about variant significance. To our knowledge, no occurrence of c.18661C>G in individuals affected with TTN-related conditions and no experimental evidence demonstrating its impact on protein function have been reported. No submitters have cited clinical-significance assessments for this variant to ClinVar. Based on the evidence outlined above, the variant was classified as uncertain significance.

NM_001267550.2(TTN):c.22393C>G (p.Leu7465Val)

Gene: TTN (titin; minus strand). Cytogenetic location: 2q31.2.
Variant type: single nucleotide variant.
Coding change: c.22393C>G on transcript NM_001267550.2 (MANE Select); coding-DNA position 22393, C replaced by G.
Protein change: p.Leu7465Val; replaces leucine 7465 with valine.
Molecular consequence: missense variant. On other transcripts: intron variant (3).
Genome position (GRCh38, 1-based): chr2:178,722,394, G>C on the plus strand (C>G on the coding strand, the complement: TTN is on the minus strand). VCF-style: chr2-178722394-G-C. GRCh37 (hg19) VCF-style: chr2-179587121-G-C.
Other names: c.21442C>G, p.Leu7148Val (NM_001256850.1); c.18661C>G, p.Leu6221Val (NM_133378.4); c.13282+15688C>G (NM_003319.4); c.13858+15688C>G (NM_133437.4); c.13657+15688C>G (NM_133432.3); short protein forms L6221V, L7148V, L7465V.
Identifiers: ClinVar variation 3902157 (VCV003902157.1).